The following is an entry in ClinVar:

NM_003072.5(SMARCA4):c.4524G>A (p.Lys1508=)

Gene: SMARCA4 (SWI/SNF related BAF chromatin remodeling complex subunit ATPase 4; plus strand). Cytogenetic location: 19p13.2.
Variant type: single nucleotide variant.
Coding change: c.4524G>A on transcript NM_003072.5 (MANE Select); coding-DNA position 4524, G replaced by A.
Protein change: p.Lys1508=; no amino-acid change (lysine 1508 retained).
Molecular consequence: synonymous variant. On other transcripts: non-coding transcript variant (1).
Genome position (GRCh38, 1-based): chr19:11,058,354, G>A. VCF-style: chr19-11058354-G-A. GRCh37 (hg19) VCF-style: chr19-11169030-G-A.
Other names: c.4422G>A, p.Lys1474= (NM_001128848.2); c.4620G>A, p.Lys1540= (NM_001128849.3, NM_001387283.1); c.4425G>A, p.Lys1475= (NM_001374457.1, NM_001128847.4); c.4521G>A, p.Lys1507= (NM_001411150.1); c.4524G>A, p.Lys1508= (NM_001128844.3); c.4434G>A, p.Lys1478= (NM_001128845.2); c.4431G>A, p.Lys1477= (NM_001128846.2).
Identifiers: ClinVar variation 4549836 (VCV004549836.2).
Genomic context (GRCh38, chr19:11,058,354, plus strand): 5'-GCCCTCGCGAAAGGAGCTGCCCGAGTACTACGAGCTCATCCGCAAGCCCGTGGACTTCAA[G>A]AAGATAAAGGTAACCCTGACGTTGTACCTGCGCCCCGCATGTGCCCGGAGGGGAGTCTGA-3'
Protein context (NP_003063.2, residues 1498-1518): YELIRKPVDF[Lys1508=]KIKERIRNHK

ClinVar aggregate classification (germline): Benign/Likely benign. Review status: criteria provided, multiple submitters, no conflicts (2 of 4 stars). 2 submissions from 2 submitters: Benign (1); Likely benign (1). Last evaluated 2026-07-23.

Conditions:
Rhabdoid tumor predisposition syndrome 2 (RTPS2). Identifiers: Orphanet 231108, Orphanet 69077, MedGen C2750074, MONDO:0013224, OMIM 613325.
Hereditary cancer-predisposing syndrome. Also called: Neoplastic Syndromes, Hereditary; Tumor predisposition; Hereditary neoplastic syndrome; Hereditary Cancer Syndrome. Identifiers: Orphanet 140162, MedGen C0027672, MeSH D009386, MONDO:0015356.

Submissions (2):

Myriad Genetics, Inc.
Classification: Benign for Rhabdoid tumor predisposition syndrome 2. Last evaluated: 2026-07-23. Review status: criteria provided, single submitter. Criteria: Myriad Autosomal Dominant, Autosomal Recessive and X-Linked Classification Criteria (2023). Collection method: clinical testing. Allele origin: unknown.
Comment: This variant is considered benign. This variant is a silent/synonymous amino acid change and it is not expected to impact splicing.

Ambry Genetics
Classification: Likely benign for Hereditary cancer-predisposing syndrome. Last evaluated: 2025-12-07. Review status: criteria provided, single submitter. Criteria: Ambry Variant Classification Scheme 2023. Collection method: clinical testing. Allele origin: germline.